The following is an entry in ClinVar:

ClinVar aggregate classification (germline): Uncertain significance (1 of 4 stars; one submission).

Submission:

Ambry Genetics
Classification: Uncertain significance. Last evaluated: 2023-02-15. Review status: criteria provided, single submitter. Criteria: Ambry Variant Classification Scheme 2023. Collection method: clinical testing. Allele origin: germline.
Comment: The p.K2755Q variant (also known as c.8263A>C), located in coding exon 60 of the PRKDC gene, results from an A to C substitution at nucleotide position 8263. The lysine at codon 2755 is replaced by glutamine, an amino acid with similar properties. This amino acid position is conserved. In addition, this alteration is predicted to be tolerated by in silico analysis. Since supporting evidence is limited at this time, the clinical significance of this alteration remains unclear.

NM_006904.7(PRKDC):c.8263A>C (p.Lys2755Gln)

Gene: PRKDC (protein kinase, DNA-activated, catalytic subunit; minus strand). Cytogenetic location: 8q11.21.
Variant type: single nucleotide variant.
Coding change: c.8263A>C on transcript NM_006904.7 (MANE Select); coding-DNA position 8263, A replaced by C.
Protein change: p.Lys2755Gln; replaces lysine 2755 with glutamine.
Molecular consequence: missense variant.
Genome position (GRCh38, 1-based): chr8:47,831,816, T>G on the plus strand (A>C on the coding strand, the complement: PRKDC is on the minus strand). VCF-style: chr8-47831816-T-G. GRCh37 (hg19) VCF-style: chr8-48744377-T-G.
Other names: c.8263A>C, p.Lys2755Gln (NM_001081640.2); short protein forms K2755Q.
Identifiers: ClinVar variation 2397834 (VCV002397834.2), dbSNP rs1281730024, ClinGen allele CA371147538.